The following is an entry in ClinVar:

NM_152703.5(SAMD9L):c.2113T>C (p.Tyr705His)

Gene: SAMD9L (sterile alpha motif domain containing 9 like; minus strand). Cytogenetic location: 7q21.2.
Variant type: single nucleotide variant.
Coding change: c.2113T>C on transcript NM_152703.5 (MANE Select); coding-DNA position 2113, T replaced by C.
Protein change: p.Tyr705His; replaces tyrosine 705 with histidine.
Molecular consequence: missense variant.
Genome position (GRCh38, 1-based): chr7:93,133,859, A>G on the plus strand (T>C on the coding strand, the complement: SAMD9L is on the minus strand). VCF-style: chr7-93133859-A-G. GRCh37 (hg19) VCF-style: chr7-92763172-A-G.
Other names: c.2113T>C, p.Tyr705His (NM_001303496.3, NM_001303497.3, NM_001303498.3 and 5 more transcripts); short protein forms Y705H.
Identifiers: ClinVar variation 3792222 (VCV003792222.1).

ClinVar aggregate classification (germline): Uncertain significance (1 of 4 stars; one submission).

Conditions:
Inborn genetic diseases. Identifiers: MedGen C0950123, MeSH D030342.

gnomAD v4.1: 1 of 1,613,454 alleles (0.000062%); no homozygotes.

Submission:

Ambry Genetics
Classification: Uncertain significance for Inborn genetic diseases. Last evaluated: 2024-12-19. Review status: criteria provided, single submitter. Criteria: Ambry Variant Classification Scheme 2023. Collection method: clinical testing. Allele origin: germline.
Comment: The p.Y705H variant (also known as c.2113T>C), located in coding exon 1 of the SAMD9L gene, results from a T to C substitution at nucleotide position 2113. The tyrosine at codon 705 is replaced by histidine, an amino acid with similar properties. This amino acid position is conserved. In addition, this alteration is predicted to be tolerated by in silico analysis. Based on the available evidence, the clinical significance of this variant remains unclear.